The following is an entry in ClinVar:

NM_001042492.3(NF1):c.4956T>A (p.Asn1652Lys)

Gene: NF1 (neurofibromin 1; plus strand). Cytogenetic location: 17q11.2.
Variant type: single nucleotide variant.
Coding change: c.4956T>A on transcript NM_001042492.3 (MANE Select); coding-DNA position 4956, T replaced by A.
Protein change: p.Asn1652Lys; replaces asparagine 1652 with lysine.
Molecular consequence: missense variant.
Genome position (GRCh38, 1-based): chr17:31,325,940, T>A. VCF-style: chr17-31325940-T-A. GRCh37 (hg19) VCF-style: chr17-29652958-T-A.
Other names: c.4893T>A, p.Asn1631Lys (NM_000267.4); short protein forms N1631K, N1652K.
Identifiers: ClinVar variation 825262 (VCV000825262.11), dbSNP rs1597829740, ClinGen allele CA399007187.

ClinVar aggregate classification (germline): Uncertain significance. Review status: criteria provided, multiple submitters, no conflicts (2 of 4 stars). 3 submissions from 3 submitters: Uncertain significance (3). Last evaluated 2022-12-07.

Conditions:
Hereditary cancer-predisposing syndrome. Also called: Neoplastic Syndromes, Hereditary; Hereditary Cancer Syndrome; Hereditary neoplastic syndrome; Tumor predisposition. Identifiers: Orphanet 140162, MedGen C0027672, MeSH D009386, MONDO:0015356.
Cardiovascular phenotype. Identifiers: MedGen CN230736.
Neurofibromatosis, type 1 (NF1). Also called: Neurofibromatosis, type I; Peripheral type neurofibromatosis; VON RECKLINGHAUSEN DISEASE; NEUROFIBROMATOSIS, TYPE I, SOMATIC. Identifiers: Orphanet 636, MedGen C0027831, MONDO:0018975, OMIM 162200. Disease mechanism: loss of function.

Submissions (3):

Ambry Genetics
Classification: Uncertain significance for Cardiovascular phenotype; Hereditary cancer-predisposing syndrome. Last evaluated: 2022-12-07. Review status: criteria provided, single submitter. Criteria: Ambry Variant Classification Scheme 2023. Collection method: clinical testing. Allele origin: germline.
Comment: The p.N1631K variant (also known as c.4893T>A), located in coding exon 36 of the NF1 gene, results from a T to A substitution at nucleotide position 4893. The asparagine at codon 1631 is replaced by lysine, an amino acid with similar properties. This amino acid position is highly conserved in available vertebrate species. In addition, this alteration is predicted to be tolerated by in silico analysis. Since supporting evidence is limited at this time, the clinical significance of this alteration remains unclear.

Genome-Nilou Lab
Classification: Uncertain significance for Neurofibromatosis, type 1. Last evaluated: 2022-03-15. Review status: criteria provided, single submitter. Criteria: ACMG Guidelines, 2015. Collection method: clinical testing. Allele origin: germline. Affected: no.

Labcorp Genetics (formerly Invitae), Labcorp
Classification: Uncertain significance for Neurofibromatosis, type 1. Last evaluated: 2020-03-18. Review status: criteria provided, single submitter. Criteria: Invitae Variant Classification Sherloc (09022015). Collection method: clinical testing. Allele origin: germline.
Comment: Algorithms developed to predict the effect of missense changes on protein structure and function are either unavailable or do not agree on the potential impact of this missense change (SIFT: "Tolerated"; PolyPhen-2: "Probably Damaging"; Align-GVGD: "Class C0"). This variant has not been reported in the literature in individuals with NF1-related conditions. This variant is not present in population databases (ExAC no frequency). This sequence change replaces asparagine with lysine at codon 1631 of the NF1 protein (p.Asn1631Lys). The asparagine residue is moderately conserved and there is a moderate physicochemical difference between asparagine and lysine. In summary, the available evidence is currently insufficient to determine the role of this variant in disease. Therefore, it has been classified as a Variant of Uncertain Significance.